The following is an entry in ClinVar:

ClinVar aggregate classification (germline): Uncertain significance (1 of 4 stars; one submission).

Allele frequency attached by ClinVar (database versions not stated): gnomAD exomes 0.00001; gnomAD 0.00006; 1000 Genomes Project 30x 0.00021; 1000 Genomes Project 0.00026; TOPMed 0.00028.
gnomAD v4.1: 24 of 1,210,423 alleles (0.002%); highest among the groups gnomAD compares: Admixed American, 0.035%; no homozygotes.

Submission:

Ambry Genetics
Classification: Uncertain significance. Last evaluated: 2026-05-06. Review status: criteria provided, single submitter. Criteria: Ambry Variant Classification Scheme 2023. Collection method: clinical testing. Allele origin: germline.
Comment: The c.1382G>A (p.R461Q) alteration is located in exon 9 (coding exon 9) of the GABRQ gene. This alteration results from a G to A substitution at nucleotide position 1382, causing the arginine (R) at amino acid position 461 to be replaced by a glutamine (Q). Based on data from gnomAD, the A allele has an overall frequency of 0.002% (3/183242) total alleles studied. The highest observed frequency was 0.011% (3/27421) of Latino alleles. Based on insufficient or conflicting evidence, the clinical significance of this alteration remains unclear.

NM_018558.4(GABRQ):c.1382G>A (p.Arg461Gln)

Genes: GABRQ (gamma-aminobutyric acid type A receptor subunit theta; plus strand), MAGEA3-DT (MAGEA3 divergent transcript; minus strand). Cytogenetic location: Xq28.
Variant type: single nucleotide variant.
Coding change: c.1382G>A on transcript NM_018558.4 (MANE Select); coding-DNA position 1382, G replaced by A.
Protein change: p.Arg461Gln; replaces arginine 461 with glutamine.
Molecular consequence: missense variant.
Genome position (GRCh38, 1-based): chrX:152,652,764, G>A. VCF-style: chrX-152652764-G-A. GRCh37 (hg19) VCF-style: chrX-151821227-G-A.
Other names: short protein forms R461Q.
Identifiers: ClinVar variation 2363133 (VCV002363133.3), dbSNP rs199649217, ClinGen allele CA337167406.